The following is an entry in ClinVar:

ClinVar aggregate classification (germline): Uncertain significance (1 of 4 stars; one submission).

gnomAD v4.1: 4 of 1,614,218 alleles (0.00025%); highest among the groups gnomAD compares: Admixed American, 0.0067%; no homozygotes.

Submission:

Labcorp Genetics (formerly Invitae), Labcorp
Classification: Uncertain significance. Last evaluated: 2022-04-17. Review status: criteria provided, single submitter. Criteria: Invitae Variant Classification Sherloc (09022015). Collection method: clinical testing. Allele origin: germline.
Comment: In summary, the available evidence is currently insufficient to determine the role of this variant in disease. Therefore, it has been classified as a Variant of Uncertain Significance. Algorithms developed to predict the effect of missense changes on protein structure and function are either unavailable or do not agree on the potential impact of this missense change (SIFT: "Deleterious"; PolyPhen-2: "Probably Damaging"; Align-GVGD: "Class C0"). This variant has not been reported in the literature in individuals affected with MYLK3-related conditions. This variant is present in population databases (rs775787717, gnomAD 0.006%). This sequence change replaces lysine, which is basic and polar, with asparagine, which is neutral and polar, at codon 136 of the MYLK3 protein (p.Lys136Asn).

NM_182493.3(MYLK3):c.408G>C (p.Lys136Asn)

Gene: MYLK3 (myosin light chain kinase 3; minus strand). Cytogenetic location: 16q11.2.
Variant type: single nucleotide variant.
Coding change: c.408G>C on transcript NM_182493.3 (MANE Select); coding-DNA position 408, G replaced by C.
Protein change: p.Lys136Asn; replaces lysine 136 with asparagine.
Molecular consequence: missense variant. On other transcripts: intron variant (1).
Genome position (GRCh38, 1-based): chr16:46,747,786, C>G on the plus strand (G>C on the coding strand, the complement: MYLK3 is on the minus strand). VCF-style: chr16-46747786-C-G. GRCh37 (hg19) VCF-style: chr16-46781698-C-G.
Other names: c.-113-7639G>C (NM_001308301.1); short protein forms K136N.
Identifiers: ClinVar variation 1914782 (VCV001914782.5), dbSNP rs775787717, ClinGen allele CA8038267.